The following is an entry in ClinVar:

NM_006767.4(LZTR1):c.2193_2194delinsA (p.Val732fs)

Gene: LZTR1 (leucine zipper like post translational regulator 1; plus strand). Cytogenetic location: 22q11.21.
Variant type: Indel.
Coding change: c.2193_2194delinsA on transcript NM_006767.4 (MANE Select); coding-DNA positions 2193 to 2194, GG replaced by A.
Protein change: p.Val732fs; shifts the reading frame from valine 732.
Molecular consequence: frameshift variant.
Genome position (GRCh38, 1-based): chr22:20,996,086-20,996,087, GG replaced by A. VCF-style: chr22-20996086-GG-A. GRCh37 (hg19) VCF-style: chr22-21350375-GG-A.
Other names: short protein forms V732fs.
Identifiers: ClinVar variation 1787445 (VCV001787445.2), dbSNP rs2518624711, ClinGen allele CA2580099287.

ClinVar aggregate classification (germline): Pathogenic (1 of 4 stars; one submission).

Conditions:
Hereditary cancer-predisposing syndrome. Also called: Neoplastic Syndromes, Hereditary; Tumor predisposition; Hereditary Cancer Syndrome; Hereditary neoplastic syndrome. Identifiers: Orphanet 140162, MedGen C0027672, MeSH D009386, MONDO:0015356.
Cardiovascular phenotype. Identifiers: MedGen CN230736.

Submission:

Ambry Genetics
Classification: Pathogenic for Cardiovascular phenotype; Hereditary cancer-predisposing syndrome. Last evaluated: 2022-05-09. Review status: criteria provided, single submitter. Criteria: Ambry Variant Classification Scheme 2023. Collection method: clinical testing. Allele origin: germline.
Comment: The c.2193_2194delGGinsA pathogenic mutation, located in coding exon 18 of the LZTR1 gene, results from the deletion of two nucleotides and insertion of one nucleotide causing a translational frameshift with a predicted alternate stop codon (p.V732Sfs*35). This variant is considered to be rare based on population cohorts in the Genome Aggregation Database (gnomAD). This alteration is expected to result in loss of function by premature protein truncation or nonsense-mediated mRNA decay. Loss-of-function variants in LZTR1 are related to an increased risk for schwannomas and autosomal recessive Noonan syndrome; however, such associations with autosomal dominant Noonan syndrome have not been observed (Piotrowski A et al. Nat Genet. 2014 Feb;46:182-7; Yamamoto GL et al. J Med Genet. 2015 Jun;52:413-21; Johnston JJ et al. Genet Med. 2018 10;20:1175-1185). Based on the supporting evidence, this variant is pathogenic for an increased risk of nerve sheath tumors and would be expected to cause autosomal recessive Noonan syndrome when present along with a second pathogenic or likely pathogenic variant on the other allele; however, the association of this alteration with autosomal dominant Noonan syndrome is unlikely.